The following is an entry in ClinVar:

NM_001394062.1(MACF1):c.18128A>C (p.Glu6043Ala)

Gene: MACF1 (microtubule actin crosslinking factor 1; plus strand). Cytogenetic location: 1p34.3.
Variant type: single nucleotide variant.
Coding change: c.18128A>C on transcript NM_001394062.1 (MANE Select); coding-DNA position 18128, A replaced by C.
Protein change: p.Glu6043Ala; replaces glutamic acid 6043 with alanine.
Molecular consequence: missense variant.
Genome position (GRCh38, 1-based): chr1:39,437,916, A>C. VCF-style: chr1-39437916-A-C. GRCh37 (hg19) VCF-style: chr1-39903588-A-C.
Other names: c.6206A>C, p.Glu2069Ala (NM_001397473.1); c.11951A>C, p.Glu3984Ala (NM_012090.5); short protein forms E2069A, E3984A, E6043A.
Identifiers: ClinVar variation 3346275 (VCV003346275.1).
Genomic context (GRCh38, chr1:39,437,916, plus strand): 5'-CTGAAGTAGACAAGATCAGAGAGTGCATCAGTGACAATAAGAGTGCCACCGTGGAGCTAG[A>C]AAAACTGCAGCCATCCTTTGAGGCCTTGAAGCGCCGTGGAGAGGAGCTTATTGGACGATC-3'
Protein context (NP_001380991.1, residues 6033-6053): SDNKSATVEL[Glu6043Ala]KLQPSFEALK

ClinVar aggregate classification (germline): Uncertain significance (0 of 4 stars; one submission).

Conditions:
MACF1-related disorder. Also called: MACF1-related condition.

Submission:

PreventionGenetics, part of Exact Sciences
Classification: Uncertain significance for MACF1-related condition. Last evaluated: 2024-08-10. Review status: no assertion criteria provided. Collection method: clinical testing. Allele origin: germline.
Comment: The MACF1 c.11951A>C variant is predicted to result in the amino acid substitution p.Glu3984Ala. To our knowledge, this variant has not been reported in the literature or in a large population database, indicating this variant is rare. At this time, the clinical significance of this variant is uncertain due to the absence of conclusive functional and genetic evidence.